The following is an entry in ClinVar:

ClinVar aggregate classification (germline): Uncertain significance. Review status: criteria provided, multiple submitters, no conflicts (2 of 4 stars). 3 submissions from 3 submitters: Uncertain significance (3). Last evaluated 2024-12-31.

Conditions:
Meckel syndrome, type 6. Identifiers: Orphanet 564, MedGen C2676790, MONDO:0012848, OMIM 612284.
Joubert syndrome 9 (JBTS9). Identifiers: Orphanet 2318, MedGen C2676788, MONDO:0012849, OMIM 612285.
COACH syndrome 2. Identifiers: MedGen C5436837, MONDO:0030859, OMIM 619111.
Retinitis pigmentosa 93. Identifiers: MedGen C5676970, MONDO:0030797, OMIM 619845.
Inborn genetic diseases. Identifiers: MedGen C0950123, MeSH D030342.
Meckel-Gruber syndrome. Also called: Dysencephalia splachnocystica; DYSENCEPHALIA SPLANCHNOCYSTICA; GRUBER SYNDROME. Identifiers: Orphanet 564, MedGen C0265215, MONDO:0018921.
Joubert syndrome. Also called: JOUBERT-BOLTSHAUSER SYNDROME; Familial aplasia of the vermis. Identifiers: Orphanet 475, MedGen C5979921, MONDO:0018772.

Allele frequency attached by ClinVar (database versions not stated): gnomAD exomes below 0.00001 and 0.00002; gnomAD 0.00005 and 0.00006; ExAC 0.00006; ESP Exome Variant Server 0.00009; TOPMed 0.00009.
gnomAD v4.1: 14 of 1,597,180 alleles (0.00088%); highest among the groups gnomAD compares: African/African-American, 0.012%; no homozygotes.

Submissions (3):

Ambry Genetics
Classification: Uncertain significance for Inborn genetic diseases. Last evaluated: 2024-12-31. Review status: criteria provided, single submitter. Criteria: Ambry Variant Classification Scheme 2023. Collection method: clinical testing. Allele origin: germline.

Fulgent Genetics
Classification: Uncertain significance for Meckel syndrome, type 6; Joubert syndrome 9; COACH syndrome 2; Retinitis pigmentosa 93. Last evaluated: 2024-04-08. Review status: criteria provided, single submitter. Criteria: ACMG Guidelines, 2015. Collection method: clinical testing. Allele origin: germline.

Labcorp Genetics (formerly Invitae), Labcorp
Classification: Uncertain significance for Joubert syndrome; Meckel-Gruber syndrome. Last evaluated: 2022-07-12. Review status: criteria provided, single submitter. Criteria: Invitae Variant Classification Sherloc (09022015). Collection method: clinical testing. Allele origin: germline.
Comment: This sequence change replaces serine, which is neutral and polar, with tyrosine, which is neutral and polar, at codon 518 of the CC2D2A protein (p.Ser518Tyr). This variant is present in population databases (rs375633207, gnomAD 0.02%). This variant has not been reported in the literature in individuals affected with CC2D2A-related conditions. ClinVar contains an entry for this variant (Variation ID: 835543). Algorithms developed to predict the effect of missense changes on protein structure and function are either unavailable or do not agree on the potential impact of this missense change (SIFT: "Deleterious"; PolyPhen-2: "Possibly Damaging"; Align-GVGD: "Class C0"). In summary, the available evidence is currently insufficient to determine the role of this variant in disease. Therefore, it has been classified as a Variant of Uncertain Significance.

NM_001378615.1(CC2D2A):c.1553C>A (p.Ser518Tyr)

Genes: CC2D2A (coiled-coil and C2 domain containing 2A; plus strand), FBXL5 (F-box and leucine rich repeat protein 5; minus strand). Cytogenetic location: 4p15.32.
Variant type: single nucleotide variant.
Coding change: c.1553C>A on transcript NM_001378615.1 (MANE Select); coding-DNA position 1553, C replaced by A.
Protein change: p.Ser518Tyr; replaces serine 518 with tyrosine.
Molecular consequence: missense variant.
Genome position (GRCh38, 1-based): chr4:15,533,279, C>A. VCF-style: chr4-15533279-C-A. GRCh37 (hg19) VCF-style: chr4-15534902-C-A.
Other names: c.1553C>A, p.Ser518Tyr (NM_001080522.2); c.1406C>A, p.Ser469Tyr (NM_001378617.1); short protein forms S469Y, S518Y.
Identifiers: ClinVar variation 835543 (VCV000835543.9), dbSNP rs375633207, ClinGen allele CA2863705.